The following is an entry in ClinVar:

ClinVar aggregate classification (germline): Benign/Likely benign. Review status: criteria provided, multiple submitters, no conflicts (2 of 4 stars). 4 submissions from 4 submitters: Benign (1); Likely benign (3). Last evaluated 2026-01-26.

Submissions (4):

Labcorp Genetics (formerly Invitae), Labcorp
Classification: Likely benign. Last evaluated: 2026-01-26. Review status: criteria provided, single submitter. Criteria: Invitae Variant Classification Sherloc (09022015). Collection method: clinical testing. Allele origin: germline.

Blueprint Genetics
Classification: Likely benign. Last evaluated: 2024-10-24. Review status: criteria provided, single submitter. Criteria: ACMG Guidelines, 2015. Collection method: clinical testing. Allele origin: germline.

Women's Health and Genetics/Laboratory Corporation of America, LabCorp
Classification: Benign. Last evaluated: 2023-11-07. Review status: criteria provided, single submitter. Criteria: LabCorp Variant Classification Summary - May 2015. Collection method: clinical testing. Allele origin: germline.
Comment: Variant summary: LZTR1 c.1785+13_1785+33dup21 alters nucleotides located at a position not widely known to affect splicing. Several computational tools predict a significant impact on normal splicing: Three predict the variant creates a 5' donor site, wheras one predicts the variant has no significant impact on splicing. However, these predictions have yet to be confirmed by functional studies. The variant allele was found at a frequency of 0.00056 in 247884 control chromosomes, predominantly at a frequency of 0.0035 within the South Asian subpopulation in the gnomAD database. The observed variant frequency within South Asian control individuals in the gnomAD database is approximately 700-fold of the estimated maximal expected allele frequency for a pathogenic variant in LZTR1 causing Noonan Syndrome phenotype (5e-06), strongly suggesting that the variant is a benign polymorphism found primarily in populations of South Asian origin. To our knowledge, no occurrence of c.1785+13_1785+33dup21 in individuals affected with Noonan Syndrome and no experimental evidence demonstrating its impact on protein function have been reported. No submitters have cited clinical-significance assessments for this variant to ClinVar after 2014. Based on the evidence outlined above, the variant was classified as benign.

ARUP Laboratories, Molecular Genetics and Genomics, ARUP Laboratories
Classification: Likely benign. Last evaluated: 2023-03-13. Review status: criteria provided, single submitter. Criteria: ARUP Molecular Germline Variant Investigation Process 2024. Collection method: clinical testing. Allele origin: germline.

NM_006767.4(LZTR1):c.1785+13_1785+33dup

Gene: LZTR1 (leucine zipper like post translational regulator 1; plus strand). Cytogenetic location: 22q11.21.
Variant type: Duplication.
Coding change: c.1785+13_1785+33dup on transcript NM_006767.4 (MANE Select); bases 13 to 33 of the intron after coding-DNA position 1785, 21 bases duplicated (GTCAGCGCAATCAGGGTTGGG).
Molecular consequence: intron variant.
Genome position (GRCh38, 1-based): chr22:20,994,740-20,994,760, GTCAGCGCAATCAGGGTTGGG duplicated; duplicating any 21 consecutive bases within chr22:20,994,736-20,994,760 gives the same sequence; the c. name uses the placement nearest the transcript's 3' end. VCF-style (leftmost placement, unchanged base first): chr22-20994735-G-GTGGGGTCAGCGCAATCAGGGT. GRCh37 (hg19) VCF-style: chr22-21349024-G-GTGGGGTCAGCGCAATCAGGGT.
Other names: c.1785+13_1785+33dup21 (NM_006767.4).
Identifiers: ClinVar variation 2682373 (VCV002682373.5), dbSNP rs758044291, ClinGen allele CA10119057.